The following is an entry in ClinVar:

ClinVar aggregate classification (germline): Uncertain significance (1 of 4 stars; one submission).

gnomAD v4.1: 1 of 1,613,984 alleles (0.000062%); highest among the groups gnomAD compares: Non-Finnish European, 0.000085%; no homozygotes.

Submission:

Labcorp Genetics (formerly Invitae), Labcorp
Classification: Uncertain significance. Last evaluated: 2024-07-29. Review status: criteria provided, single submitter. Criteria: Invitae Variant Classification Sherloc (09022015). Collection method: clinical testing. Allele origin: germline.
Comment: This sequence change replaces serine, which is neutral and polar, with cysteine, which is neutral and slightly polar, at codon 722 of the SBF1 protein (p.Ser722Cys). This variant is not present in population databases (gnomAD no frequency). This variant has not been reported in the literature in individuals affected with SBF1-related conditions. ClinVar contains an entry for this variant (Variation ID: 2129103). Advanced modeling of protein sequence and biophysical properties (such as structural, functional, and spatial information, amino acid conservation, physicochemical variation, residue mobility, and thermodynamic stability) has been performed at Invitae for this missense variant, however the output from this modeling did not meet the statistical confidence thresholds required to predict the impact of this variant on SBF1 protein function. In summary, the available evidence is currently insufficient to determine the role of this variant in disease. Therefore, it has been classified as a Variant of Uncertain Significance.

NM_002972.4(SBF1):c.2165C>G (p.Ser722Cys)

Gene: SBF1 (SET binding factor 1; minus strand). Cytogenetic location: 22q13.33.
Variant type: single nucleotide variant.
Coding change: c.2165C>G on transcript NM_002972.4 (MANE Select); coding-DNA position 2165, C replaced by G.
Protein change: p.Ser722Cys; replaces serine 722 with cysteine.
Molecular consequence: missense variant.
Genome position (GRCh38, 1-based): chr22:50,462,436, G>C on the plus strand (C>G on the coding strand, the complement: SBF1 is on the minus strand). VCF-style: chr22-50462436-G-C. GRCh37 (hg19) VCF-style: chr22-50900865-G-C.
Other names: c.2168C>G, p.Ser723Cys (NM_001365819.1, NM_001410794.1); c.2165C>G, p.Ser722Cys (NM_001410795.1, NM_197971.1); short protein forms S722C, S723C.
Identifiers: ClinVar variation 2129103 (VCV002129103.4), dbSNP rs2067556975, ClinGen allele CA412211267.